The following is an entry in ClinVar:

ClinVar aggregate classification (germline): Uncertain significance (1 of 4 stars; one submission).

Conditions:
Congenital hyperammonemia, type I. Also called: Carbamoyl-phosphate synthase I deficiency; CPS I DEFICIENCY; Carbamoyl phosphate synthetase 1 deficiency; Hyperammonemia due to carbamoyl phosphate synthetase 1 deficiency; CPS 1 deficiency; Carbamyl phosphate synthetase (CPS) deficiency. Identifiers: Orphanet 147, MedGen C4082171, MONDO:0009376, OMIM 237300.

Allele frequency attached by ClinVar (database versions not stated): gnomAD exomes below 0.00001.
gnomAD v4.1: 2 of 1,611,384 alleles (0.00012%); highest among the groups gnomAD compares: Admixed American, 0.0017%; no homozygotes.

Submission:

Labcorp Genetics (formerly Invitae), Labcorp
Classification: Uncertain significance for Congenital hyperammonemia, type I. Last evaluated: 2022-07-31. Review status: criteria provided, single submitter. Criteria: Invitae Variant Classification Sherloc (09022015). Collection method: clinical testing. Allele origin: germline.
Comment: This sequence change replaces isoleucine, which is neutral and non-polar, with valine, which is neutral and non-polar, at codon 299 of the CPS1 protein (p.Ile299Val). This variant is not present in population databases (gnomAD no frequency). This variant has not been reported in the literature in individuals affected with CPS1-related conditions. ClinVar contains an entry for this variant (Variation ID: 1424560). Algorithms developed to predict the effect of missense changes on protein structure and function output the following: SIFT: "Deleterious"; PolyPhen-2: "Benign"; Align-GVGD: "Class C0". The valine amino acid residue is found in multiple mammalian species, which suggests that this missense change does not adversely affect protein function. In summary, the available evidence is currently insufficient to determine the role of this variant in disease. Therefore, it has been classified as a Variant of Uncertain Significance.

NM_001875.5(CPS1):c.895A>G (p.Ile299Val)

Gene: CPS1 (carbamoyl-phosphate synthase 1; plus strand). Cytogenetic location: 2q34.
Variant type: single nucleotide variant.
Coding change: c.895A>G on transcript NM_001875.5 (MANE Select); coding-DNA position 895, A replaced by G.
Protein change: p.Ile299Val; replaces isoleucine 299 with valine.
Molecular consequence: missense variant. On other transcripts: non-coding transcript variant (1).
Genome position (GRCh38, 1-based): chr2:210,590,854, A>G. VCF-style: chr2-210590854-A-G. GRCh37 (hg19) VCF-style: chr2-211455578-A-G.
Other names: c.895A>G, p.Ile299Val (NM_001122633.3, NM_001369257.1); c.928A>G, p.Ile310Val (NM_001369256.1); short protein forms I299V, I310V.
Identifiers: ClinVar variation 1424560 (VCV001424560.5), dbSNP rs2106108999, ClinGen allele CA350430258.
Genomic context (GRCh38, chr2:210,590,854, plus strand): 5'-ATTTAGATTTTGGAGAGTGATCGCAAGGAGCCATTGTTTGGAATCAGTACAGGAAACTTA[A>G]TAACAGGATTGGCTGCTGGTGCCAAAACCTACAAGATGTCCATGGCCAACAGGTGAGGTA-3'
Protein context (NP_001866.2, residues 289-309): PLFGISTGNL[Ile299Val]TGLAAGAKTY